The following is an entry in ClinVar:

NM_001256545.2(MEGF10):c.2330G>T (p.Arg777Leu)

Gene: MEGF10 (multiple EGF like domains 10; plus strand). Cytogenetic location: 5q23.2.
Variant type: single nucleotide variant.
Coding change: c.2330G>T on transcript NM_001256545.2 (MANE Select); coding-DNA position 2330, G replaced by T.
Protein change: p.Arg777Leu; replaces arginine 777 with leucine.
Molecular consequence: missense variant.
Genome position (GRCh38, 1-based): chr5:127,440,835, G>T. VCF-style: chr5-127440835-G-T. GRCh37 (hg19) VCF-style: chr5-126776527-G-T.
Other names: c.2330G>T, p.Arg777Leu (NM_032446.3); short protein forms R777L.
Identifiers: ClinVar variation 575747 (VCV000575747.9), dbSNP rs565304206, ClinGen allele CA360733563.

ClinVar aggregate classification (germline): Uncertain significance (1 of 4 stars; one submission).

Conditions:
MEGF10-related myopathy (CMYO10A). Also called: Congenital myopathy 10A, severe variant. Identifiers: Orphanet 439212, MedGen C3280679, MONDO:0013731, OMIM 614399.

Submission:

Labcorp Genetics (formerly Invitae), Labcorp
Classification: Uncertain significance for MEGF10-related myopathy. Last evaluated: 2018-05-21. Review status: criteria provided, single submitter. Criteria: Invitae Variant Classification Sherloc (09022015). Collection method: clinical testing. Allele origin: germline.
Comment: In summary, the available evidence is currently insufficient to determine the role of this variant in disease. Therefore, it has been classified as a Variant of Uncertain Significance. Algorithms developed to predict the effect of missense changes on protein structure and function (SIFT, PolyPhen-2, Align-GVGD) all suggest that this variant is likely to be disruptive, but these predictions have not been confirmed by published functional studies and their clinical significance is uncertain. This variant has not been reported in the literature in individuals with MEGF10-related disease. This variant is not present in population databases (ExAC no frequency). This sequence change replaces arginine with leucine at codon 777 of the MEGF10 protein (p.Arg777Leu). The arginine residue is highly conserved and there is a moderate physicochemical difference between arginine and leucine.